The following is an entry in ClinVar:

ClinVar aggregate classification (germline): Pathogenic. Review status: criteria provided, single submitter (1 of 4 stars). 2 submissions from 2 submitters: Pathogenic (1). 1 of the submissions does not count toward it. Last evaluated 2026-04-23.

Conditions:
Adult hypophosphatasia. Identifiers: Orphanet 247676, Orphanet 436, MedGen C0268413, MONDO:1010154, OMIM 146300, MONDO:0007798.
Infantile hypophosphatasia. Identifiers: Orphanet 247651, Orphanet 436, MedGen C0268412, MONDO:1010169, OMIM 241500, MONDO:0009427.

Submissions (2):

Women's Health and Genetics/Laboratory Corporation of America, LabCorp
Classification: Pathogenic for Adult hypophosphatasia. Last evaluated: 2026-04-23. Review status: criteria provided, single submitter. Criteria: LabCorp Variant Classification Summary - May 2015. Collection method: clinical testing. Allele origin: germline.
Comment: Variant summary: ALPL c.114delA (p.Lys38AsnfsX30) results in a premature termination codon, predicted to cause a truncation of the encoded protein or absence of the protein due to nonsense mediated decay, which are commonly known mechanisms for disease. The variant was absent in 251476 control chromosomes. To our knowledge, no occurrence of c.114delA in individuals affected with ALPL-related conditions and no experimental evidence demonstrating its impact on protein function have been reported. ClinVar contains an entry for this variant (Variation ID: 371503). Based on the evidence outlined above, the variant was classified as pathogenic for autosomal dominant and autosomal recessive hypophosphatasia.

Counsyl
Classification: Likely pathogenic for Infantile hypophosphatasia. Last evaluated: 2016-10-05. Review status: no assertion criteria provided. Collection method: clinical testing. Allele origin: unknown. Not counted in ClinVar's aggregate classification.

NM_000478.6(ALPL):c.114del (p.Lys38fs)

Gene: ALPL (alkaline phosphatase, biomineralization associated; plus strand). Cytogenetic location: 1p36.12.
Variant type: Deletion.
Coding change: c.114del on transcript NM_000478.6 (MANE Select); coding-DNA position 114, one base deleted (A; older notation c.114delA).
Protein change: p.Lys38fs; shifts the reading frame from lysine 38.
Molecular consequence: frameshift variant. On other transcripts: 5 prime UTR variant (2).
Genome position (GRCh38, 1-based): chr1:21,560,678, A deleted; the last of 3 consecutive A bases (chr1:21,560,676-21,560,678); deleting any one gives the same sequence. VCF-style (leftmost placement, unchanged base first): chr1-21560675-GA-G. GRCh37 (hg19) VCF-style: chr1-21887168-GA-G.
Other names: c.114delA (NM_000478.6); c.-52del (NM_001127501.4); c.-2del (NM_001177520.3); c.114del, p.Lys38fs (NM_001369803.2, NM_001369804.2, NM_001369805.2); short protein forms K38fs.
Identifiers: ClinVar variation 371503 (VCV000371503.4), dbSNP rs1057517321, ClinGen allele CA16040713.